The following continues an entry in ClinVar:

NM_001379610.1(SPINK1):c.101A>G (p.Asn34Ser)

Gene: SPINK1. ClinVar aggregate classification (germline): Conflicting classifications of pathogenicity; association; risk factor. Pathogenic (12); Likely pathogenic (2); Established risk allele (1); Uncertain significance (4); Likely benign (1).

Submissions 8 to 19 of 28:

Neuberg Centre For Genomic Medicine, NCGM
Classification: Pathogenic for Hereditary pancreatitis. Last evaluated: 2023-06-22. Review status: criteria provided, single submitter. Criteria: ACMG Guidelines, 2015. Collection method: clinical testing. Allele origin: germline. Inheritance: Autosomal dominant inheritance. Affected: yes.
Comment: The observed missense c.101A>G(p.Asn34Ser) variant in SPINK1 gene has been reported previously in heterozygous as well as homozygous state in multiple individuals affected with chronic pancreatitis (Witt H et al., 2007). This variant is reported with the allele frequency of 0.9% in the gnomAD Exomes. This variant has been reported to the ClinVar database as Likely Benign / Uncertain Significance / Established risk allele / Likely pathogenic / Pathogenic (multiple submissions). Multiple lines of computational evidence (Polyphen - Benign, SIFT - Tolerated, and MutationTaster - Polymorphism) predict no damaging effect on protein structure and function for this variant. The amino acid Asn at position 34 is changed to a Ser changing protein sequence and it might alter its composition and physico-chemical properties. Though functional studies have not proven a damaging effect, the variant is enriched in patients with pancreatitis as compared to the general population (Király et al., 2007; Rosendahl et al., 2013). For these reasons, this variant has been classified as a Pathogenic variant, which is a pathogenic risk factor for predisposition to Chronic Pancreatitis.

Eurofins-Biomnis
Classification: Likely pathogenic for Hereditary pancreatitis. Last evaluated: 2022-12-01. Review status: criteria provided, single submitter. Criteria: Accession Criteria ClinVar Biomnis. Collection method: clinical testing. Allele origin: germline. Affected: yes. Observed: 1 heterozygote.

Baylor Genetics
Classification: Likely pathogenic for Tropical pancreatitis. Last evaluated: 2022-03-17. Review status: criteria provided, single submitter. Criteria: ACMG Guidelines, 2015. Collection method: clinical testing. Allele origin: unknown.

Institute of Human Genetics, University of Leipzig Medical Center
Classification: Established risk allele for Hereditary pancreatitis. Last evaluated: 2022-03-08. Review status: criteria provided, single submitter. Criteria: ACMG Guidelines, 2015. Collection method: clinical testing. Allele origin: unknown. Affected: yes.
Comment: One of the most important CP-associated heritable risk factors (odds ratio (OR) = 10.90; 95% confidence interval 7.56–15.72). No functional data support pathogenic effect (expression, secretion or trypsin inhibitory activity of SPINK1). Co-transfection transactivation experiments have demonstrated that this variant leads to reduced gene expression. Two pancreatic cancer cell lines heterozygous for the SPINK1 N34S haplotype exhibited reduced expression of the variant allele and suggested that c.-4141G>T might be a candidate causal variant. See Pu et al., 2021, PMID: 34828289

Sema4
Classification: Pathogenic for Hereditary pancreatitis. Last evaluated: 2021-05-24. Review status: criteria provided, single submitter. Criteria: Sema4 Curation Guidelines. Collection method: curation. Allele origin: germline.
Comment: The SPINK1 c.101A>G (p.N34S) variant has been reported in the compound heterozygous and homozygous state in numerous patients with chronic pancreatitis (PMID: 10835640, 12011155, 25206283). A meta-analysis in European individuals (2981 cases and 5819 controls from 25 studies) showed that p.N34S variant carriers are at increased risk for chronic pancreatitis [OR 9.695 (CI 95% 7.931-11.851)]. However, multiple functional studies failed to show that this p.N34S missense change disrupted any known function of the SPINK1 protein (PMID: 12483248, 17525091, 17568390). This variant was observed in 602/30476 chromosomes in the South Asian population, with 6 homozygotes and 23 homozygotes among all ethnicities, according to the Genome Aggregation Database (PMID: 27535533) and has been reported in ClinVar (Variation ID: 13760). In summary, the SPINK1 c.101A>G (p.N34S) variant is a relatively common variant associated with a significant risk for developing chronic pancreatitis. Based on the current evidence available, this variant is interpreted as an established risk allele.

Laboratory for Molecular Medicine, Mass General Brigham Personalized Medicine
Classification: risk factor for Hereditary pancreatitis. Last evaluated: 2021-03-12. Review status: criteria provided, single submitter. Criteria: LMM Criteria. Collection method: clinical testing. Allele origin: germline. Observed: 1 variant allele.
Comment: proposed classification - variant undergoing re-assessment, contact laboratory

Baylor Genetics
Classification: Pathogenic for Hereditary pancreatitis. Last evaluated: 2020-11-17. Review status: criteria provided, single submitter. Criteria: ACMG Guidelines, 2015. Collection method: clinical testing. Allele origin: unknown. Affected: yes.
Comment: This variant was determined to be pathogenic according to ACMG Guidelines, 2015 [PMID:25741868].

Undiagnosed Diseases Network, NIH
Classification: Pathogenic for Hereditary pancreatitis. Last evaluated: 2020-11-17. Review status: criteria provided, single submitter. Criteria: ACMG Guidelines, 2015. Collection method: clinical testing. Allele origin: inherited. Inheritance: Autosomal dominant inheritance. Affected: yes. Observed: 1 variant allele, 1 homozygote. Study: Undiagnosed Diseases Network (NIH), UDN.

Women's Health and Genetics/Laboratory Corporation of America, LabCorp
Classification: Pathogenic for Hereditary pancreatitis. Last evaluated: 2020-06-08. Review status: criteria provided, single submitter. Criteria: LabCorp Variant Classification Summary - May 2015. Collection method: clinical testing. Allele origin: germline.
Comment: SPINK1 c.101A>G (p.Asn34Ser) results in a conservative amino acid change located in the Kazal domain (IPR002350) of the encoded protein sequence. Five of five in-silico tools predict a benign effect of the variant on protein function. The variant allele was found at a frequency of 0.009 in 254072 control chromosomes (gnomAD and publication data), including 20 homozygotes. This frequency is approximately 2 times the estimated maximal expected allele frequency of a pathogenic SPINK1 variant. However, this variant is a well-reported pathogenic risk factor that is known to be relatively frequent in the general population. Multiple studies have identified the variant in the compound heterozygous and homozygous state in numerous patients with chronic pancreatitis (example, Witt_2000, Chandak_2002, Rosendahl_2012, Pelaez-Luna_2014). Large association studies have been performed that suggest a strong association between the variant and disease, with odds ratios ranging from 10 to over 50 (example, Chen_2009, Witt_2000). However, experimental data reported that the trypsin inhibitory activity of the variant protein was preserved (> 90% of normal) and there was no significant difference in mRNA expression or splicing compared to wild-type (Kuwata_2002, Kiraly_2007, Boulling_2012). Although it has been proposed that other cis-linked variant(s) might be responsible for the observed increased pancreatitis risk conferred by the N34S haplotype, studies reporting a causative role of this variant within its associated haplotype have also been reported (Boulling_2012, Boulling_2017, Kereszturi_2017). Nine clinical diagnostic laboratories have submitted clinical-significance assessments for this variant to ClinVar after 2014 without evidence for independent evaluation and classified the variant as VUS (n=3), Pathogenic (n=4) or Risk factor (n=2)). Based on the evidence outlined above, the variant was classified as a pathogenic risk factor for predisposition to Chronic Pancreatitis.

Centre for Mendelian Genomics, University Medical Centre Ljubljana
Classification: Pathogenic for Hereditary pancreatitis. Last evaluated: 2019-08-23. Review status: criteria provided, single submitter. Criteria: ACMG Guidelines, 2015. Collection method: clinical testing. Allele origin: unknown. Affected: yes.
Comment: This variant was classified as: Pathogenic. The following ACMG criteria were applied in classifying this variant: BS1,PS4,PS1. This variant was detected in homozygous state.

Mendelics
Classification: Uncertain significance for Hereditary pancreatitis. Last evaluated: 2019-05-28. Review status: criteria provided, single submitter. Criteria: Mendelics Assertion Criteria 2017. Collection method: clinical testing. Allele origin: unknown.

GeneDx
Classification: Uncertain significance. Last evaluated: 2017-10-31. Review status: criteria provided, single submitter. Criteria: GeneDx Variant Classification (06012015). Collection method: clinical testing. Allele origin: germline. Affected: yes.
Comment: This variant is denoted SPINK1 c.101A>G at the cDNA level, p.Asn34Ser (N34S) at the protein level, and results in the change of an Asparagine to a Serine (AAT>AGT). This variant is associated with an increased risk of pancreatitis when present with other genetic or environmental risk factors (Witt 2000, Diaconu 2009, Masamune 2011, LaSaito 2016). In a meta-analysis, this variant was identified in the heterozygous state in 274/2927 Caucasian pancreatitis cases and 79/5298 controls (OR=6.82), and in the homozygous state in 54/2981 cases and 1/5299 controls (OR=97.74) (Di Leo 2017). Functional studies of SPINK1 N34S demonstrated no change in trypsin inhibition or binding activity, suggesting that SPINK1 N34S on its own is insufficient to cause pancreatitis (Kuwata 2002, Boulling 2007). SPINK1 Asn34Ser is the most common SPINK1 pancreatitis risk allele, with an allele frequency of 0.97% (590/60648) and 2.2% (332/15160) in individuals of European (non-Finnish) and South Asian ancestry, respectively, in large population cohorts (Lek 2016). This variant is located in the Kazal-like domain (UniProt). In-silico analysis, which includes protein predictors and evolutionary conservation, supports that this variant does not alter protein structure/function. Based on currently available evidence, we consider SPINK1 Asn34Ser to be a risk allele.